The following is an entry in ClinVar:

NM_033068.3(ACP4):c.254T>C (p.Leu85Pro)

Gene: ACP4 (acid phosphatase 4; plus strand). Cytogenetic location: 19q13.33.
Variant type: single nucleotide variant.
Coding change: c.254T>C on transcript NM_033068.3 (MANE Select); coding-DNA position 254, T replaced by C.
Protein change: p.Leu85Pro; replaces leucine 85 with proline.
Molecular consequence: missense variant.
Genome position (GRCh38, 1-based): chr19:50,790,811, T>C. VCF-style: chr19-50790811-T-C. GRCh37 (hg19) VCF-style: chr19-51294068-T-C.
Other names: short protein forms L85P.
Identifiers: ClinVar variation 4687880 (VCV004687880.1).
Genomic context (GRCh38, chr19:50,790,811, plus strand): 5'-GGCTGAGGCTGTTCTGTCCCCAGGAGGGGGTCCGCCAGCAGCTGGAGCTGGGCCGCTTCC[T>C]GAGGAGCCGCTACGAGGCCTTCCTGAGTCCGGAGTACCGGCGGGAGGAGGTAGGGCCATA-3'
Protein context (NP_149059.1, residues 75-95): VRQQLELGRF[Leu85Pro]RSRYEAFLSP

ClinVar aggregate classification (germline): Pathogenic (1 of 4 stars; one submission).

Conditions:
Amelogenesis imperfecta, type 1J (AI1J). Also called: Amelogenesis imperfecta, type IJ. Identifiers: MedGen C4310630, MONDO:0015008, OMIM 617297.

gnomAD v4.1: 49 of 1,548,522 alleles (0.0032%); highest among the groups gnomAD compares: South Asian, 0.058%; no homozygotes.

Submission:

Leeds Amelogenesis Imperfecta Research Group, University of Leeds
Classification: Pathogenic for Amelogenesis imperfecta, type 1J. Last evaluated: 2026-01-22. Review status: criteria provided, single submitter. Criteria: ACMG Guidelines, 2015. Collection method: research. Allele origin: biparental. Inheritance: Autosomal recessive inheritance. Affected: yes. Observed: 3 homozygotes. Segregation with disease observed.
Comment: The NM_033068.3 c.254T>C, is a missense variant in ACP4 predicted to result in p.(Leu85Pro). Variants in ACP4 have been previously identified in individuals with amelogenesis imperfecta and published as the cause of disease. This variant has been modelled using AlphaFold3 and Rosetta and there is a loss of stability due to the substitution of the Leu residue for proline, which limits flexibility. This variant has been identified in 3 UK families of Pakistani heritage with hypoplastic amelogenesis imperfecta (PP4). Long read sequencing shows this variant to be a founder variant with an identical haplotype identified for all three families across a 9600bp sequencing including the ACP4 gene and flanking regions. The variant segregated with disease in all cases in all three families and was homozygous in all affected individuals. Added as strong segregation evidence in Franklin (PP1) This variant is not reported in gnomAD (PM2), nor previously in ClinVar, but is recorded in dbSNP rs762895836. CADD (v1.7) analysis showed this variant to have a score of 28.0 (20 indicates that the variant is in the top 1% of most deleterious variants of the genome, 30 indicates that it is in the top 0.1%). Aggregated score on Franklin shows this variant’s score to be Pathogenic supporting PP3 In summary, this variant meets criteria to be classified as pathogenic for amelogenesis imperfecta based on the ACMG/AMP criteria applied, as specified: PP1, PP4, PM2, PM2, PP3, PP4.